The following is an entry in ClinVar:

ClinVar aggregate classification (germline): Uncertain significance (1 of 4 stars; one submission).

Allele frequency attached by ClinVar (database versions not stated): gnomAD exomes below 0.00001; gnomAD 0.00001; TOPMed 0.00003.
gnomAD v4.1: 3 of 1,568,520 alleles (0.00019%); highest among the groups gnomAD compares: African/African-American, 0.0042%; no homozygotes.

Submission:

GeneDx
Classification: Uncertain significance. Last evaluated: 2021-10-13. Review status: criteria provided, single submitter. Criteria: GeneDx Variant Classification Process June 2021. Collection method: clinical testing. Allele origin: germline. Affected: yes.
Comment: In silico analysis supports that this missense variant has a deleterious effect on protein structure/function; Has not been previously published as pathogenic or benign to our knowledge

NM_203446.3(SYNJ1):c.757G>C (p.Val253Leu)

Gene: SYNJ1 (synaptojanin 1; minus strand). Cytogenetic location: 21q22.11.
Variant type: single nucleotide variant.
Coding change: c.757G>C on transcript NM_203446.3 (MANE Select); coding-DNA position 757, G replaced by C.
Protein change: p.Val253Leu; replaces valine 253 with leucine.
Molecular consequence: missense variant.
Genome position (GRCh38, 1-based): chr21:32,694,260, C>G on the plus strand (G>C on the coding strand, the complement: SYNJ1 is on the minus strand). VCF-style: chr21-32694260-C-G. GRCh37 (hg19) VCF-style: chr21-34066570-C-G.
Other names: c.757G>C, p.Val253Leu (NM_001160302.2, NM_001160306.2); c.874G>C, p.Val292Leu (NM_003895.4); short protein forms V253L, V292L.
Identifiers: ClinVar variation 1676909 (VCV001676909.2), dbSNP rs890834213, ClinGen allele CA319452614.
Genomic context (GRCh38, chr21:32,694,260, plus strand): 5'-CAAAAATAACTGAATGTCAAACACATACTTGCAACCCTGGTTGCTCCCAGAACAATGGAA[C>G]AGATCCTCGGATTTGTATGAAGGAAGAAACTGAGTCATCTAAGTACACAACCTACAGAAA-3'
Protein context (NP_982271.3, residues 243-263): VSSFIQIRGS[Val253Leu]PLFWEQPGLQ